The following is an entry in ClinVar:

NM_000256.3(MYBPC3):c.803dup (p.Ser269fs)

Gene: MYBPC3 (myosin binding protein C3; minus strand). Cytogenetic location: 11p11.2.
Variant type: Duplication.
Coding change: c.803dup on transcript NM_000256.3 (MANE Select); coding-DNA position 803, one base duplicated (T; older notation c.803dupT).
Protein change: p.Ser269fs; shifts the reading frame from serine 269.
Molecular consequence: frameshift variant.
Genome position (GRCh38, 1-based): chr11:47,347,875, A duplicated on the plus strand (T on the coding strand, the reverse complement: MYBPC3 is on the minus strand). VCF-style (leftmost placement, unchanged base first): chr11-47347874-T-TA. GRCh37 (hg19) VCF-style: chr11-47369425-T-TA.
Other names: short protein forms S269fs.
Identifiers: ClinVar variation 2767742 (VCV002767742.3), dbSNP rs2095896008, ClinGen allele CA937657816.

ClinVar aggregate classification (germline): Pathogenic (1 of 4 stars; one submission).

Conditions:
Hypertrophic cardiomyopathy. Also called: HYPERTROPHIC MYOCARDIOPATHY. Identifiers: Orphanet 217569, MedGen C0007194, MeSH D002312, MONDO:0005045, HP:0001639.

Allele frequency attached by ClinVar (database versions not stated): TOPMed below 0.00001; gnomAD 0.00001.

Submission:

Labcorp Genetics (formerly Invitae), Labcorp
Classification: Pathogenic for Hypertrophic cardiomyopathy. Last evaluated: 2025-09-24. Review status: criteria provided, single submitter. Criteria: Invitae Variant Classification Sherloc (09022015). Collection method: clinical testing. Allele origin: germline.
Comment: This sequence change creates a premature translational stop signal (p.Ser269Ilefs*17) in the MYBPC3 gene. It is expected to result in an absent or disrupted protein product. Loss-of-function variants in MYBPC3 are known to be pathogenic (PMID: 19574547). This variant is not present in population databases (gnomAD no frequency). This variant has not been reported in the literature in individuals affected with MYBPC3-related conditions. ClinVar contains an entry for this variant (Variation ID: 2767742). For these reasons, this variant has been classified as Pathogenic.

Literature cited by the submitters: PubMed 19574547.